The following is an entry in ClinVar:

NM_000059.4(BRCA2):c.3812C>A (p.Ser1271Ter)

Gene: BRCA2 (BRCA2 DNA repair associated; plus strand). Cytogenetic location: 13q13.1.
Variant type: single nucleotide variant.
Coding change: c.3812C>A on transcript NM_000059.4 (MANE Select); coding-DNA position 3812, C replaced by A.
Protein change: p.Ser1271Ter; replaces serine 1271 with a stop codon.
Molecular consequence: nonsense.
Genome position (GRCh38, 1-based): chr13:32,338,167, C>A. VCF-style: chr13-32338167-C-A. GRCh37 (hg19) VCF-style: chr13-32912304-C-A.
Other names: short protein forms S1271*.
Identifiers: ClinVar variation 51529 (VCV000051529.3), dbSNP rs80358623, ClinGen allele CA018857.

ClinVar aggregate classification (germline): Pathogenic. Review status: reviewed by expert panel (3 of 4 stars). 3 submissions from 3 submitters: Pathogenic (1). 2 of the submissions do not count toward it. Last evaluated 2016-09-08.

Conditions:
Familial cancer of breast. Also called: BREAST CANCER, FAMILIAL; Hereditary breast cancer; hereditary breast carcinoma. Identifiers: Orphanet 227535, MedGen C0346153, MONDO:0016419, OMIM 114480. Disease mechanism: loss of function.
Breast-ovarian cancer, familial, susceptibility to, 2 (BROVCA2). Also called: BRCA2 Hereditary Breast and Ovarian Cancer. Identifiers: Orphanet 145, MedGen C2675520, MONDO:0012933, OMIM 612555. Disease mechanism: loss of function.

Submissions (3):

Evidence-based Network for the Interpretation of Germline Mutant Alleles (ENIGMA)
Classification: Pathogenic for Breast-ovarian cancer, familial, susceptibility to, 2. Last evaluated: 2016-09-08. Review status: reviewed by expert panel. Criteria: ENIGMA BRCA1/2 Classification Criteria (2015). Collection method: curation. Allele origin: germline.
Comment: Variant allele predicted to encode a truncated non-functional protein.

Baylor Genetics
Classification: Pathogenic for Familial cancer of breast. Last evaluated: 2023-09-01. Review status: criteria provided, single submitter. Criteria: ACMG Guidelines, 2015. Collection method: clinical testing. Allele origin: unknown. Not counted in ClinVar's aggregate classification.

Breast Cancer Information Core (BIC) (BRCA2)
Classification: Pathogenic for Breast-ovarian cancer, familial 2. Last evaluated: 2002-06-20. Review status: no assertion criteria provided. Collection method: clinical testing. Allele origin: germline. Affected: yes. Observed: 1 variant allele. Not counted in ClinVar's aggregate classification.